The following is an entry in ClinVar:

ClinVar aggregate classification (germline): Uncertain significance (1 of 4 stars; one submission).

Conditions:
Hereditary cancer-predisposing syndrome. Also called: Tumor predisposition; Hereditary Cancer Syndrome; Hereditary neoplastic syndrome; Neoplastic Syndromes, Hereditary. Identifiers: Orphanet 140162, MedGen C0027672, MeSH D009386, MONDO:0015356.

Submission:

Ambry Genetics
Classification: Uncertain significance for Hereditary cancer-predisposing syndrome. Last evaluated: 2025-11-23. Review status: criteria provided, single submitter. Criteria: Ambry Variant Classification Scheme 2023. Collection method: clinical testing. Allele origin: germline.
Comment: The p.L191P variant (also known as c.572T>C), located in coding exon 5 of the SMARCB1 gene, results from a T to C substitution at nucleotide position 572. The leucine at codon 191 is replaced by proline, an amino acid with similar properties. This amino acid position is conserved. In addition, this alteration is predicted to be deleterious by in silico analysis. Based on the available evidence, the clinical significance of this variant remains unclear.

NM_003073.5(SMARCB1):c.572T>C (p.Leu191Pro)

Gene: SMARCB1 (SWI/SNF related BAF chromatin remodeling complex subunit B1; plus strand). Cytogenetic location: 22q11.23.
Variant type: single nucleotide variant.
Coding change: c.572T>C on transcript NM_003073.5 (MANE Select); coding-DNA position 572, T replaced by C.
Protein change: p.Leu191Pro; replaces leucine 191 with proline.
Molecular consequence: missense variant.
Genome position (GRCh38, 1-based): chr22:23,803,366, T>C. VCF-style: chr22-23803366-T-C. GRCh37 (hg19) VCF-style: chr22-24145553-T-C.
Other names: c.545T>C, p.Leu182Pro (NM_001007468.3); c.599T>C, p.Leu200Pro (NM_001317946.2); c.626T>C, p.Leu209Pro (NM_001362877.2); short protein forms L200P, L191P, L182P, L209P.
Identifiers: ClinVar variation 4550263 (VCV004550263.1).